The following is an entry in ClinVar:

ClinVar aggregate classification (germline): Conflicting classifications of pathogenicity. Review status: criteria provided, conflicting classifications (1 of 4 stars). 2 submissions from 2 submitters: Uncertain significance (1); Likely benign (1). Last evaluated 2024-12-17.

Conditions:
Hereditary cancer-predisposing syndrome. Also called: Neoplastic Syndromes, Hereditary; Tumor predisposition; Hereditary Cancer Syndrome; Hereditary neoplastic syndrome. Identifiers: Orphanet 140162, MedGen C0027672, MeSH D009386, MONDO:0015356.
Gorlin syndrome. Also called: Nevoid Basal Cell Carcinoma Syndrome; Basal cell nevus syndrome. Identifiers: Orphanet 377, MedGen C0004779, MONDO:0007187.

Submissions (2):

Ambry Genetics
Classification: Uncertain significance for Hereditary cancer-predisposing syndrome. Last evaluated: 2024-12-17. Review status: criteria provided, single submitter. Criteria: Ambry Variant Classification Scheme 2023. Collection method: clinical testing. Allele origin: germline.
Comment: The c.3307-3C>T intronic variant results from a C to T substitution 3 nucleotides upstream from coding exon 20 in the PTCH1 gene. This nucleotide position is well conserved in available vertebrate species. In silico splice site analysis predicts that this alteration will not have any significant effect on splicing. Based on the available evidence, the clinical significance of this variant remains unclear.

Labcorp Genetics (formerly Invitae), Labcorp
Classification: Likely benign for Gorlin syndrome. Last evaluated: 2024-10-28. Review status: criteria provided, single submitter. Criteria: Invitae Variant Classification Sherloc (09022015). Collection method: clinical testing. Allele origin: germline.

NM_000264.5(PTCH1):c.3307-3C>T

Gene: PTCH1 (patched 1; minus strand). Cytogenetic location: 9q22.32.
Variant type: single nucleotide variant.
Coding change: c.3307-3C>T on transcript NM_000264.5 (MANE Select); 3 bases into the intron before coding-DNA position 3307, C replaced by T.
Molecular consequence: intron variant.
Genome position (GRCh38, 1-based): chr9:95,453,623, G>A on the plus strand (C>T on the coding strand, the complement: PTCH1 is on the minus strand). VCF-style: chr9-95453623-G-A. GRCh37 (hg19) VCF-style: chr9-98215905-G-A.
Other names: c.3304-3C>T (NM_001083603.3); c.3109-3C>T (NM_001083602.3); c.3151-3C>T (NM_001354918.2); c.2854-3C>T (NM_001083605.3, NM_001083604.3, NM_001083606.3 and 1 more transcripts).
Identifiers: ClinVar variation 1730026 (VCV001730026.6), dbSNP rs2136632458, ClinGen allele CA2580081264.
Genomic context (GRCh38, chr9:95,453,623, plus strand): 5'-TGTGCTCCAGGGCAAGCACAGCCCTGCGGTTCTTGTCGCCGATGGCCGTCAGAAAGGCCT[G>A]TGCAATGAGGATGTTCACAAGATCAGGTTGCTGGACTTCACCTGGTAAATGCTCAGCTCT-3'